The following is an entry in ClinVar:

NM_001367624.2(ZNF469):c.3648C>A (p.Arg1216=)

Gene: ZNF469 (zinc finger protein 469; plus strand). Cytogenetic location: 16q24.2.
Variant type: single nucleotide variant.
Coding change: c.3648C>A on transcript NM_001367624.2 (MANE Select); coding-DNA position 3648, C replaced by A.
Protein change: p.Arg1216=; no amino-acid change (arginine 1216 retained).
Molecular consequence: synonymous variant.
Genome position (GRCh38, 1-based): chr16:88,431,118, C>A. VCF-style: chr16-88431118-C-A. GRCh37 (hg19) VCF-style: chr16-88497526-C-A.
Other names: NM_001127464.1:c.3564C>A; NM_001127464.2:c.3564C>A.
Identifiers: ClinVar variation 1591158 (VCV001591158.12), dbSNP rs568281394, ClinGen allele CA286375104.

ClinVar aggregate classification (germline): Likely benign. Review status: criteria provided, multiple submitters, no conflicts (2 of 4 stars). 3 submissions from 3 submitters: Likely benign (2). 1 of the submissions does not count toward it. Last evaluated 2025-12-30.

Conditions:
ZNF469-related disorder. Also called: ZNF469-related condition.
Cardiovascular phenotype. Identifiers: MedGen CN230736.

Allele frequency attached by ClinVar (database versions not stated): gnomAD 0.00006 and 0.00007; TOPMed 0.00006; gnomAD exomes 0.00008 and 0.00011; 1000 Genomes Project 30x 0.00016; 1000 Genomes Project 0.00040.
gnomAD v4.1: 129 of 1,550,336 alleles (0.0083%); highest among the groups gnomAD compares: East Asian, 0.3%; no homozygotes.

Submissions (3):

Labcorp Genetics (formerly Invitae), Labcorp
Classification: Likely benign. Last evaluated: 2025-12-30. Review status: criteria provided, single submitter. Criteria: Invitae Variant Classification Sherloc (09022015). Collection method: clinical testing. Allele origin: germline.

Ambry Genetics
Classification: Likely benign for Cardiovascular phenotype. Last evaluated: 2020-03-26. Review status: criteria provided, single submitter. Criteria: Ambry Variant Classification Scheme 2023. Collection method: clinical testing. Allele origin: germline.

PreventionGenetics, part of Exact Sciences
Classification: Likely benign for ZNF469-related condition. Last evaluated: 2019-08-26. Review status: no assertion criteria provided. Collection method: clinical testing. Allele origin: germline. Not counted in ClinVar's aggregate classification.
Comment: This variant is classified as likely benign based on ACMG/AMP sequence variant interpretation guidelines (Richards et al. 2015 PMID: 25741868, with internal and published modifications).